The following is an entry in ClinVar:

ClinVar aggregate classification (germline): Uncertain significance (1 of 4 stars; one submission).

Conditions:
Hereditary cancer-predisposing syndrome. Also called: Tumor predisposition; Neoplastic Syndromes, Hereditary; Hereditary Cancer Syndrome; Hereditary neoplastic syndrome. Identifiers: Orphanet 140162, MedGen C0027672, MeSH D009386, MONDO:0015356.

Submission:

Ambry Genetics
Classification: Uncertain significance for Hereditary cancer-predisposing syndrome. Last evaluated: 2024-11-17. Review status: criteria provided, single submitter. Criteria: Ambry Variant Classification Scheme 2023. Collection method: clinical testing. Allele origin: germline.
Comment: The p.M440L variant (also known as c.1318A>C), located in coding exon 9 of the BMPR1A gene, results from an A to C substitution at nucleotide position 1318. The methionine at codon 440 is replaced by leucine, an amino acid with highly similar properties. This amino acid position is conserved. In addition, this alteration is predicted to be deleterious by in silico analysis. Based on the available evidence, the clinical significance of this variant remains unclear.

NM_004329.3(BMPR1A):c.1318A>C (p.Met440Leu)

Gene: BMPR1A (bone morphogenetic protein receptor type 1A; plus strand). Cytogenetic location: 10q23.2.
Variant type: single nucleotide variant.
Coding change: c.1318A>C on transcript NM_004329.3 (MANE Select); coding-DNA position 1318, A replaced by C.
Protein change: p.Met440Leu; replaces methionine 440 with leucine.
Molecular consequence: missense variant. On other transcripts: non-coding transcript variant (3).
Genome position (GRCh38, 1-based): chr10:86,921,671, A>C. VCF-style: chr10-86921671-A-C. GRCh37 (hg19) VCF-style: chr10-88681428-A-C.
Other names: c.1393A>C, p.Met465Leu (NM_001406559.1); c.1366A>C, p.Met456Leu (NM_001406560.1); c.1318A>C, p.Met440Leu (NM_001406561.1, NM_001406562.1, NM_001406563.1 and 19 more transcripts); c.1312A>C, p.Met438Leu (NM_001406583.1); c.1234A>C, p.Met412Leu (NM_001406584.1, NM_001406585.1, NM_001406586.1 and 2 more transcripts); c.976A>C, p.Met326Leu (NM_001406589.1); short protein forms M412L, M440L, M456L, M438L, M326L, M465L.
Identifiers: ClinVar variation 3481244 (VCV003481244.1).